The following is an entry in ClinVar:

ClinVar aggregate classification (germline): Pathogenic (1 of 4 stars; one submission).

Submission:

Labcorp Genetics (formerly Invitae), Labcorp
Classification: Pathogenic. Last evaluated: 2025-03-17. Review status: criteria provided, single submitter. Criteria: Invitae Variant Classification Sherloc (09022015). Collection method: clinical testing. Allele origin: germline.
Comment: This sequence change replaces leucine, which is neutral and non-polar, with arginine, which is basic and polar, at codon 234 of the BEST1 protein (p.Leu234Arg). This variant is not present in population databases (gnomAD no frequency). This missense change has been observed in individual(s) with autosomal dominant Best disease (internal data). It has also been observed to segregate with disease in related individuals. ClinVar contains an entry for this variant (Variation ID: 1491457). Invitae Evidence Modeling of protein sequence and biophysical properties (such as structural, functional, and spatial information, amino acid conservation, physicochemical variation, residue mobility, and thermodynamic stability) indicates that this missense variant is expected to disrupt BEST1 protein function with a positive predictive value of 95%. This variant disrupts the p.Leu234 amino acid residue in BEST1. Other variant(s) that disrupt this residue have been determined to be pathogenic (internal data). This suggests that this residue is clinically significant, and that variants that disrupt this residue are likely to be disease-causing. For these reasons, this variant has been classified as Pathogenic.

NM_004183.4(BEST1):c.701T>G (p.Leu234Arg)

Gene: BEST1 (bestrophin 1; plus strand). Cytogenetic location: 11q12.3.
Variant type: single nucleotide variant.
Coding change: c.701T>G on transcript NM_004183.4 (MANE Select); coding-DNA position 701, T replaced by G.
Protein change: p.Leu234Arg; replaces leucine 234 with arginine.
Molecular consequence: missense variant. On other transcripts: non-coding transcript variant (1).
Genome position (GRCh38, 1-based): chr11:61,957,451, T>G. VCF-style: chr11-61957451-T-G. GRCh37 (hg19) VCF-style: chr11-61724923-T-G.
Other names: c.521T>G, p.Leu174Arg (NM_001300786.2, NM_001300787.2, NM_001139443.3); c.383T>G, p.Leu128Arg (NM_001363591.3); c.701T>G, p.Leu234Arg (NM_001363592.2); c.-475T>G (NM_001363593.3); short protein forms L128R, L234R, L174R.
Identifiers: ClinVar variation 1491457 (VCV001491457.6), dbSNP rs1941501578, ClinGen allele CA380838882.